The following is an entry in ClinVar:

ClinVar aggregate classification (germline): Likely pathogenic (1 of 4 stars; one submission).

Conditions:
Stromme syndrome (STROMS). Also called: Ciliary dyskinesia, primary, 31; Strømme Syndrome; APPLE PEEL SYNDROME WITH MICROCEPHALY AND OCULAR ANOMALIES. Identifiers: Orphanet 444069, Orphanet 506307, MedGen C1855705, MONDO:0009477, OMIM 243605.

Allele frequency attached by ClinVar (database versions not stated): gnomAD exomes below 0.00001.
gnomAD v4.1: 1 of 1,575,444 alleles (0.000063%); highest among the groups gnomAD compares: Non-Finnish European, 0.000086%; no homozygotes.

Submission:

Neuberg Centre For Genomic Medicine, NCGM
Classification: Likely pathogenic for Stromme syndrome. Review status: criteria provided, single submitter. Criteria: ACMG Guidelines, 2015. Collection method: clinical testing. Allele origin: germline. Inheritance: Autosomal recessive inheritance. Affected: yes.
Comment: The splice site acceptor c.8161-1G>A variant in CENPF gene has not been reported previously as a pathogenic variant nor as a benign variant, to our knowledge. The variant is novel not in any individuals in gnomAD Exomes and 1000 Genomes. The variant affects the AG acceptor splice site upstream to exon 15. Loss of function variants have been previously reported to be disease causing. For these reasons, this variant has been classified as Likely Pathogenic.

NM_016343.4(CENPF):c.8161-1G>A

Gene: CENPF (centromere protein F; plus strand). Cytogenetic location: 1q41.
Variant type: single nucleotide variant.
Coding change: c.8161-1G>A on transcript NM_016343.4 (MANE Select); the canonical splice acceptor site of the intron before coding-DNA position 8161, G replaced by A.
Molecular consequence: splice acceptor variant.
Genome position (GRCh38, 1-based): chr1:214,652,827, G>A. VCF-style: chr1-214652827-G-A. GRCh37 (hg19) VCF-style: chr1-214826170-G-A.
Identifiers: ClinVar variation 3234912 (VCV003234912.1), dbSNP rs2102414095, ClinGen allele CA344855070.